The following is an entry in ClinVar:

NM_033380.3(COL4A5):c.2075dup (p.Gly693fs)

Gene: COL4A5 (collagen type IV alpha 5 chain; plus strand). Cytogenetic location: Xq22.3.
Variant type: Duplication.
Coding change: c.2075dup on transcript NM_033380.3 (MANE Select); coding-DNA position 2075, one base duplicated (C; older notation c.2075dupC).
Protein change: p.Gly693fs; shifts the reading frame from glycine 693.
Molecular consequence: frameshift variant.
Genome position (GRCh38, 1-based): chrX:108,601,918, C duplicated; the last of 2 consecutive C bases (chrX:108,601,917-108,601,918); duplicating either gives the same sequence. VCF-style (leftmost placement, unchanged base first): chrX-108601916-G-GC. GRCh37 (hg19) VCF-style: chrX-107845146-G-GC.
Other names: c.2075dup, p.Gly693fs (NM_000495.5); short protein forms G693fs.
Identifiers: ClinVar variation 2695355 (VCV002695355.4), dbSNP rs2524328506, ClinGen allele CA2697544728.

ClinVar aggregate classification (germline): Pathogenic. Review status: criteria provided, multiple submitters, no conflicts (2 of 4 stars). 2 submissions from 2 submitters: Pathogenic (2). Last evaluated 2023-11-12.

Conditions:
X-linked Alport syndrome (ATS1). Also called: COL4A5-Related Nephropathy; NEPHROPATHY AND DEAFNESS, X-LINKED. Identifiers: Orphanet 63, Orphanet 88917, MedGen C4746986, MONDO:0010520, OMIM 301050.

Submissions (2):

Labcorp Genetics (formerly Invitae), Labcorp
Classification: Pathogenic. Last evaluated: 2023-11-12. Review status: criteria provided, single submitter. Criteria: Invitae Variant Classification Sherloc (09022015). Collection method: clinical testing. Allele origin: germline.
Comment: This sequence change creates a premature translational stop signal (p.Gly693Argfs*5) in the COL4A5 gene. It is expected to result in an absent or disrupted protein product. Loss-of-function variants in COL4A5 are known to be pathogenic (PMID: 9195222, 10752524, 14514738, 24854265, 26809805). This variant is not present in population databases (gnomAD no frequency). This variant has not been reported in the literature in individuals affected with COL4A5-related conditions. For these reasons, this variant has been classified as Pathogenic.

Myriad Genetics, Inc.
Classification: Pathogenic for X-linked Alport syndrome. Last evaluated: 2023-09-27. Review status: criteria provided, single submitter. Criteria: Myriad Autosomal Dominant, Autosomal Recessive and X-Linked Classification Criteria (2023). Collection method: clinical testing. Allele origin: unknown.
Comment: NM_000495.4(COL4A5):c.2075dupC(G693Rfs*5) is expected to be pathogenic in the context of X-linked Alport syndrome. This variant is predicted to lead to an abnormal or absent protein product due to the creation of a premature termination codon in COL4A5, a gene where loss-of-function variants are known to be pathogenic. Please note: this variant was assessed in the context of healthy population screening.

Literature cited by the submitters: PubMed 9195222 (cited by Labcorp Genetics (formerly Invitae), Labcorp); PubMed 10752524 (cited by Labcorp Genetics (formerly Invitae), Labcorp); PubMed 14514738 (cited by Labcorp Genetics (formerly Invitae), Labcorp); PubMed 24854265 (cited by Labcorp Genetics (formerly Invitae), Labcorp); PubMed 26809805 (cited by Labcorp Genetics (formerly Invitae), Labcorp).